The following is an entry in ClinVar:

NM_000466.3(PEX1):c.3028C>T (p.Gln1010Ter)

Genes: PEX1 (peroxisomal biogenesis factor 1; minus strand), GATAD1 (GATA zinc finger domain containing 1; plus strand). Cytogenetic location: 7q21.2.
Variant type: single nucleotide variant.
Coding change: c.3028C>T on transcript NM_000466.3 (MANE Select); coding-DNA position 3028, C replaced by T.
Protein change: p.Gln1010Ter; replaces glutamine 1010 with a stop codon.
Molecular consequence: nonsense.
Genome position (GRCh38, 1-based): chr7:92,494,295, G>A on the plus strand (C>T on the coding strand, the complement: PEX1 is on the minus strand). VCF-style: chr7-92494295-G-A. GRCh37 (hg19) VCF-style: chr7-92123609-G-A.
Other names: c.2857C>T, p.Gln953Ter (NM_001282677.2); c.2404C>T, p.Gln802Ter (NM_001282678.2); short protein forms Q1010*, Q802*, Q953*.
Identifiers: ClinVar variation 4818399 (VCV004818399.1).

ClinVar aggregate classification (germline): Likely pathogenic (1 of 4 stars; one submission).

Conditions:
Zellweger spectrum disorders (ZS). Also called: Zellweger Spectrum Disorder (ZSD); Zellweger syndrome; Zellweger Spectrum Disorder; Zellweger Spectrum. Identifiers: Orphanet 912, MedGen C0043459, MONDO:0019609.

Submission:

Natera, Inc.
Classification: Likely pathogenic for Zellweger syndrome. Last evaluated: 2024-08-19. Review status: criteria provided, single submitter. Criteria: Natera Variant Classification Schema (03/2026). Collection method: clinical testing. Allele origin: germline.
Comment: The c.3028C>T variant in PEX1 is a nonsense variant predicted to introduce a stop codon at amino acid 1010. This variant is expected to result in nonsense mediated decay, truncation, or a dysfunctional protein product. This variant is rare in the general population with a frequency below the threshold expected for the associated phenotype(s). Given the available evidence, this variant is classified as Likely Pathogenic.